The following is an entry in ClinVar:

ClinVar aggregate classification (germline): Uncertain significance (1 of 4 stars; one submission).

Allele frequency attached by ClinVar (database versions not stated): gnomAD exomes below 0.00001.
gnomAD v4.1: 1 of 1,612,362 alleles (0.000062%); highest among the groups gnomAD compares: Admixed American, 0.0017%; no homozygotes.

Submission:

Labcorp Genetics (formerly Invitae), Labcorp
Classification: Uncertain significance. Last evaluated: 2022-11-14. Review status: criteria provided, single submitter. Criteria: Invitae Variant Classification Sherloc (09022015). Collection method: clinical testing. Allele origin: germline.
Comment: Algorithms developed to predict the effect of missense changes on protein structure and function output the following: SIFT: "Deleterious"; PolyPhen-2: "Benign"; Align-GVGD: "Class C35". The glutamic acid amino acid residue is found in multiple mammalian species, which suggests that this missense change does not adversely affect protein function. In summary, the available evidence is currently insufficient to determine the role of this variant in disease. Therefore, it has been classified as a Variant of Uncertain Significance. ClinVar contains an entry for this variant (Variation ID: 1361465). This sequence change replaces aspartic acid, which is acidic and polar, with glutamic acid, which is acidic and polar, at codon 1423 of the CENPF protein (p.Asp1423Glu). This variant is present in population databases (no rsID available, gnomAD 0.003%). This variant has not been reported in the literature in individuals affected with CENPF-related conditions.

NM_016343.4(CENPF):c.4269T>A (p.Asp1423Glu)

Gene: CENPF (centromere protein F; plus strand). Cytogenetic location: 1q41.
Variant type: single nucleotide variant.
Coding change: c.4269T>A on transcript NM_016343.4 (MANE Select); coding-DNA position 4269, T replaced by A.
Protein change: p.Asp1423Glu; replaces aspartic acid 1423 with glutamic acid.
Molecular consequence: missense variant.
Genome position (GRCh38, 1-based): chr1:214,642,607, T>A. VCF-style: chr1-214642607-T-A. GRCh37 (hg19) VCF-style: chr1-214815950-T-A.
Other names: short protein forms D1423E.
Identifiers: ClinVar variation 1361465 (VCV001361465.8), dbSNP rs1442922592, ClinGen allele CA344831902.